The following is an entry in ClinVar:

NM_000548.5(TSC2):c.4145T>A (p.Leu1382Gln)

Gene: TSC2 (TSC complex subunit 2; plus strand). Cytogenetic location: 16p13.3.
Variant type: single nucleotide variant.
Coding change: c.4145T>A on transcript NM_000548.5 (MANE Select); coding-DNA position 4145, T replaced by A.
Protein change: p.Leu1382Gln; replaces leucine 1382 with glutamine.
Molecular consequence: missense variant. On other transcripts: non-coding transcript variant (5).
Genome position (GRCh38, 1-based): chr16:2,084,367, T>A. VCF-style: chr16-2084367-T-A. GRCh37 (hg19) VCF-style: chr16-2134368-T-A.
Other names: c.2732T>A, p.Leu911Gln (NM_001406689.1); c.2603T>A, p.Leu868Gln (NM_001406692.1, NM_001406693.1, NM_001406694.1); c.2672T>A, p.Leu891Gln (NM_001406690.1); c.2669T>A, p.Leu890Gln (NM_001406691.1); c.3944T>A, p.Leu1315Gln (NM_001077183.3); c.4076T>A, p.Leu1359Gln (NM_001114382.3); c.3836T>A, p.Leu1279Gln (NM_001318827.2); c.3800T>A, p.Leu1267Gln (NM_001318829.2); and 26 more; short protein forms L1266Q, L1279Q, L1311Q, L1312Q, L1315Q, L1316Q, L1338Q, L1339Q.
Identifiers: ClinVar variation 2564696 (VCV002564696.2), dbSNP rs2151524776, ClinGen allele CA394299651.
Genomic context (GRCh38, chr16:2,084,367, plus strand): 5'-TCGTCTCCTCGGAGGGTGGCCGGCCCTCTGTGGACCTCTCCTTCCAGCCCTCGCAGCCCC[T>A]GAGCAAGTCCAGCTCCTCTCCCGAGCTGCAGACTCTGCAGGACATCCTCGGGGACCCTGG-3'
Protein context (NP_000539.2, residues 1372-1392): VDLSFQPSQP[Leu1382Gln]SKSSSSPELQ

ClinVar aggregate classification (germline): Uncertain significance (1 of 4 stars; one submission).

Conditions:
Hereditary cancer-predisposing syndrome. Also called: Neoplastic Syndromes, Hereditary; Hereditary Cancer Syndrome; Hereditary neoplastic syndrome; Tumor predisposition. Identifiers: Orphanet 140162, MedGen C0027672, MeSH D009386, MONDO:0015356.

Submission:

Ambry Genetics
Classification: Uncertain significance for Hereditary cancer-predisposing syndrome. Last evaluated: 2023-04-18. Review status: criteria provided, single submitter. Criteria: Ambry Variant Classification Scheme 2023. Collection method: clinical testing. Allele origin: germline.
Comment: The p.L1382Q variant (also known as c.4145T>A), located in coding exon 33 of the TSC2 gene, results from a T to A substitution at nucleotide position 4145. The leucine at codon 1382 is replaced by glutamine, an amino acid with dissimilar properties. This amino acid position is conserved. In addition, this alteration is predicted to be deleterious by in silico analysis. Since supporting evidence is limited at this time, the clinical significance of this alteration remains unclear.